The following is an entry in ClinVar:

NM_031407.7(HUWE1):c.5071A>T (p.Asn1691Tyr)

Gene: HUWE1 (HECT, UBA and WWE domain containing E3 ubiquitin protein ligase 1; minus strand). Cytogenetic location: Xp11.22.
Variant type: single nucleotide variant.
Coding change: c.5071A>T on transcript NM_031407.7 (MANE Select); coding-DNA position 5071, A replaced by T.
Protein change: p.Asn1691Tyr; replaces asparagine 1691 with tyrosine.
Molecular consequence: missense variant.
Genome position (GRCh38, 1-based): chrX:53,584,276, T>A on the plus strand (A>T on the coding strand, the complement: HUWE1 is on the minus strand). VCF-style: chrX-53584276-T-A. GRCh37 (hg19) VCF-style: chrX-53611236-T-A.
Other names: short protein forms N1691Y.
Identifiers: ClinVar variation 2745764 (VCV002745764.3), dbSNP rs2525566971, ClinGen allele CA413174754.
Genomic context (GRCh38, chrX:53,584,276, plus strand): 5'-CCATTTCTTTGCTTTCTTCCAGCGTCTTCTCTAGTTCCTGTCCATTGCTGTTTTTTGAAT[T>A]TTTATTCAGCCGAGGTACCCTGAGGAGAGTCAGCATCACAGGGCGTCGGTTCCCTGTTTC-3'
Protein context (NP_113584.3, residues 1681-1701): TLLRVPRLNK[Asn1691Tyr]SKNSNGQELE

ClinVar aggregate classification (germline): Uncertain significance (1 of 4 stars; one submission).

Submission:

Labcorp Genetics (formerly Invitae), Labcorp
Classification: Uncertain significance. Last evaluated: 2023-07-21. Review status: criteria provided, single submitter. Criteria: Invitae Variant Classification Sherloc (09022015). Collection method: clinical testing. Allele origin: germline.
Comment: In summary, the available evidence is currently insufficient to determine the role of this variant in disease. Therefore, it has been classified as a Variant of Uncertain Significance. Advanced modeling of protein sequence and biophysical properties (such as structural, functional, and spatial information, amino acid conservation, physicochemical variation, residue mobility, and thermodynamic stability) has been performed at Invitae for this missense variant, however the output from this modeling did not meet the statistical confidence thresholds required to predict the impact of this variant on HUWE1 protein function. This variant has not been reported in the literature in individuals affected with HUWE1-related conditions. This variant is not present in population databases (gnomAD no frequency). This sequence change replaces asparagine, which is neutral and polar, with tyrosine, which is neutral and polar, at codon 1691 of the HUWE1 protein (p.Asn1691Tyr).